The following is an entry in ClinVar:

NM_000075.4(CDK4):c.680T>C (p.Phe227Ser)

Genes: TSPAN31 (tetraspanin 31; plus strand), CDK4 (cyclin dependent kinase 4; minus strand). Cytogenetic location: 12q14.1.
Variant type: single nucleotide variant.
Coding change: c.680T>C on transcript NM_000075.4 (MANE Select); coding-DNA position 680, T replaced by C.
Protein change: p.Phe227Ser; replaces phenylalanine 227 with serine.
Molecular consequence: missense variant. On other transcripts: 3 prime UTR variant (3).
Genome position (GRCh38, 1-based): chr12:57,749,457, A>G on the plus strand (T>C on the coding strand, the complement: CDK4 is on the minus strand). VCF-style: chr12-57749457-A-G. GRCh37 (hg19) VCF-style: chr12-58143240-A-G.
Other names: c.*2167A>G (NM_001330168.2, NM_001330169.2, NM_005981.5); short protein forms F227S.
Identifiers: ClinVar variation 993216 (VCV000993216.2), dbSNP rs1481057693, ClinGen allele CA385543890.

ClinVar aggregate classification (germline): Uncertain significance. Review status: criteria provided, multiple submitters, no conflicts (2 of 4 stars). 2 submissions from 2 submitters: Uncertain significance (2). Last evaluated 2025-10-17.

Conditions:
Hereditary cancer-predisposing syndrome. Also called: Neoplastic Syndromes, Hereditary; Hereditary Cancer Syndrome; Tumor predisposition; Hereditary neoplastic syndrome. Identifiers: Orphanet 140162, MedGen C0027672, MeSH D009386, MONDO:0015356.

Submissions (2):

Ambry Genetics
Classification: Uncertain significance for Hereditary cancer-predisposing syndrome. Last evaluated: 2025-10-17. Review status: criteria provided, single submitter. Criteria: Ambry Variant Classification Scheme 2023. Collection method: clinical testing. Allele origin: germline.
Comment: The p.F227S variant (also known as c.680T>C), located in coding exon 5 of the CDK4 gene, results from a T to C substitution at nucleotide position 680. The phenylalanine at codon 227 is replaced by serine, an amino acid with highly dissimilar properties. This amino acid position is highly conserved in available vertebrate species. In addition, the in silico prediction for this alteration is inconclusive. Based on the available evidence, the clinical significance of this variant remains unclear.

Quest Diagnostics Nichols Institute San Juan Capistrano
Classification: Uncertain significance. Last evaluated: 2019-09-01. Review status: criteria provided, single submitter. Criteria: Quest Diagnostics criteria. Collection method: clinical testing. Allele origin: unknown.